The following is an entry in ClinVar:

NM_016341.4(PLCE1):c.1539A>G (p.Ser513=)

Gene: PLCE1 (phospholipase C epsilon 1; plus strand). Cytogenetic location: 10q23.33.
Variant type: single nucleotide variant.
Coding change: c.1539A>G on transcript NM_016341.4 (MANE Select); coding-DNA position 1539, A replaced by G.
Protein change: p.Ser513=; no amino-acid change (serine 513 retained).
Molecular consequence: synonymous variant.
Genome position (GRCh38, 1-based): chr10:94,171,226, A>G. VCF-style: chr10-94171226-A-G. GRCh37 (hg19) VCF-style: chr10-95930983-A-G.
Other names: p.Ser513=; c.615A>G, p.Ser205= (NM_001165979.2); c.1539A>G, p.Ser513= (NM_001288989.2).
Identifiers: ClinVar variation 2159103 (VCV002159103.5), dbSNP rs371638668, ClinGen allele CA5612416.

ClinVar aggregate classification (germline): Likely benign. Review status: criteria provided, multiple submitters, no conflicts (2 of 4 stars). 2 submissions from 2 submitters: Likely benign (2). Last evaluated 2025-03-31.

Allele frequency attached by ClinVar (database versions not stated): ExAC 0.00017; gnomAD 0.00019; TOPMed 0.00022; ESP Exome Variant Server 0.00025; gnomAD exomes 0.00026.
gnomAD v4.1: 399 of 1,614,072 alleles (0.025%); highest among the groups gnomAD compares: Middle Eastern, 0.049%; no homozygotes.

Submissions (2):

Labcorp Genetics (formerly Invitae), Labcorp
Classification: Likely benign. Last evaluated: 2025-03-31. Review status: criteria provided, single submitter. Criteria: Invitae Variant Classification Sherloc (09022015). Collection method: clinical testing. Allele origin: germline.

Mayo Clinic Laboratories, Mayo Clinic
Classification: Likely benign. Last evaluated: 2025-01-06. Review status: criteria provided, single submitter. Criteria: ACMG Guidelines, 2015. Collection method: clinical testing. Allele origin: germline. Observed: 1 variant allele.
Comment: BP4, BP7